The following is an entry in ClinVar:

ClinVar aggregate classification (germline): Uncertain significance (1 of 4 stars; one submission).

Allele frequency attached by ClinVar (database versions not stated): gnomAD exomes below 0.00001.
gnomAD v4.1: 2 of 1,614,010 alleles (0.00012%); highest among the groups gnomAD compares: South Asian, 0.0022%; no homozygotes.

Submission:

Labcorp Genetics (formerly Invitae), Labcorp
Classification: Uncertain significance. Last evaluated: 2023-03-21. Review status: criteria provided, single submitter. Criteria: Invitae Variant Classification Sherloc (09022015). Collection method: clinical testing. Allele origin: germline.
Comment: This sequence change replaces serine, which is neutral and polar, with asparagine, which is neutral and polar, at codon 752 of the ABCA4 protein (p.Ser752Asn). This variant is not present in population databases (gnomAD no frequency). This missense change has been observed in individual(s) with cone-rod dystrophy (PMID: 29555955). Advanced modeling of protein sequence and biophysical properties (such as structural, functional, and spatial information, amino acid conservation, physicochemical variation, residue mobility, and thermodynamic stability) performed at Invitae indicates that this missense variant is expected to disrupt ABCA4 protein function. In summary, the available evidence is currently insufficient to determine the role of this variant in disease. Therefore, it has been classified as a Variant of Uncertain Significance.

Literature cited by the submitters: PubMed 29555955.

NM_000350.3(ABCA4):c.2255G>A (p.Ser752Asn)

Gene: ABCA4 (ATP binding cassette subfamily A member 4; minus strand). Cytogenetic location: 1p22.1.
Variant type: single nucleotide variant.
Coding change: c.2255G>A on transcript NM_000350.3 (MANE Select); coding-DNA position 2255, G replaced by A.
Protein change: p.Ser752Asn; replaces serine 752 with asparagine.
Molecular consequence: missense variant.
Genome position (GRCh38, 1-based): chr1:94,056,728, C>T on the plus strand (G>A on the coding strand, the complement: ABCA4 is on the minus strand). VCF-style: chr1-94056728-C-T. GRCh37 (hg19) VCF-style: chr1-94522284-C-T.
Other names: short protein forms S752N.
Identifiers: ClinVar variation 2910119 (VCV002910119.3), dbSNP rs1801369, ClinGen allele CA341277917.